The following is an entry in ClinVar:

NM_005733.3(KIF20A):c.1926+4A>G

Gene: KIF20A (kinesin family member 20A; plus strand). Cytogenetic location: 5q31.2.
Variant type: single nucleotide variant.
Coding change: c.1926+4A>G on transcript NM_005733.3 (MANE Select); 4 bases into the intron after coding-DNA position 1926, A replaced by G.
Molecular consequence: intron variant.
Genome position (GRCh38, 1-based): chr5:138,185,201, A>G. VCF-style: chr5-138185201-A-G. GRCh37 (hg19) VCF-style: chr5-137520890-A-G.
Identifiers: ClinVar variation 1462893 (VCV001462893.6), dbSNP rs772419291, ClinGen allele CA3426754.

ClinVar aggregate classification (germline): Uncertain significance (1 of 4 stars; one submission).

Allele frequency attached by ClinVar (database versions not stated): TOPMed below 0.00001; ExAC 0.00002; gnomAD exomes 0.00002 and 0.00003.
gnomAD v4.1: 42 of 1,593,578 alleles (0.0026%); highest among the groups gnomAD compares: East Asian, 0.092%; no homozygotes.

Submission:

Labcorp Genetics (formerly Invitae), Labcorp
Classification: Uncertain significance. Last evaluated: 2024-11-03. Review status: criteria provided, single submitter. Criteria: Invitae Variant Classification Sherloc (09022015). Collection method: clinical testing. Allele origin: germline.
Comment: This sequence change falls in intron 15 of the KIF20A gene. It does not directly change the encoded amino acid sequence of the KIF20A protein. It affects a nucleotide within the consensus splice site. This variant is present in population databases (rs772419291, gnomAD 0.03%). This variant has not been reported in the literature in individuals affected with KIF20A-related conditions. ClinVar contains an entry for this variant (Variation ID: 1462893). Variants that disrupt the consensus splice site are a relatively common cause of aberrant splicing (PMID: 17576681, 9536098). Algorithms developed to predict the effect of sequence changes on RNA splicing suggest that this variant is not likely to affect RNA splicing. In summary, the available evidence is currently insufficient to determine the role of this variant in disease. Therefore, it has been classified as a Variant of Uncertain Significance.

Literature cited by the submitters: PubMed 17576681; PubMed 9536098.